The following is an entry in ClinVar:

NM_014251.3(SLC25A13):c.1064G>A (p.Arg355Gln)

Gene: SLC25A13 (solute carrier family 25 member 13; minus strand). Cytogenetic location: 7q21.3.
Variant type: single nucleotide variant.
Coding change: c.1064G>A on transcript NM_014251.3 (MANE Select); coding-DNA position 1064, G replaced by A.
Protein change: p.Arg355Gln; replaces arginine 355 with glutamine.
Molecular consequence: missense variant. On other transcripts: non-coding transcript variant (1).
Genome position (GRCh38, 1-based): chr7:96,184,390, C>T on the plus strand (G>A on the coding strand, the complement: SLC25A13 is on the minus strand). VCF-style: chr7-96184390-C-T. GRCh37 (hg19) VCF-style: chr7-95813702-C-T.
Other names: c.1067G>A, p.Arg356Gln (NM_001160210.2); short protein forms R355Q, R356Q.
Identifiers: ClinVar variation 92110 (VCV000092110.19), dbSNP rs398122839, ClinGen allele CA266749.

ClinVar aggregate classification (germline): Pathogenic. Review status: criteria provided, multiple submitters, no conflicts (2 of 4 stars). 7 submissions from 7 submitters: Pathogenic (6). 1 of the submissions does not count toward it. Last evaluated 2025-06-26.

Conditions:
Citrullinemia. Identifiers: Orphanet 187, MedGen C0175683, MONDO:0015991.
Neonatal intrahepatic cholestasis due to citrin deficiency (CDNI). Also called: Neonatal Intrahepatic Cholestasis Caused by Citrin Deficiency (NICCD); CITRIN DEFICIENCY, NEONATAL OR INFANTILE ONSET; Neonatal-onset citrullinemia type II; Neonatal-onset citrullinemia type 2. Identifiers: Orphanet 247598, MedGen C1853942, MONDO:0011601, OMIM 605814.
Citrullinemia, type II, adult-onset (CDAA). Also called: CITRIN DEFICIENCY, ADOLESCENT OR ADULT ONSET. Identifiers: Orphanet 247585, MedGen CN295299, MONDO:0011326, OMIM 603471.
Citrin deficiency. Identifiers: Orphanet 247582, MedGen C1997910, MONDO:0016602.
Citrullinemia type II. Also called: Citrullinemia Type II (CTLN2). Identifiers: Orphanet 247585, MedGen C1863844, MONDO:0016603.

Allele frequency attached by ClinVar (database versions not stated): gnomAD 0.00001 and 0.00003; TOPMed 0.00002; 1000 Genomes Project 30x 0.00016; 1000 Genomes Project 0.00020.
gnomAD v4.1: 11 of 1,614,062 alleles (0.00068%); highest among the groups gnomAD compares: East Asian, 0.016%; no homozygotes.

Submissions (7):

Natera, Inc.
Classification: Pathogenic for Citrullinemia. Last evaluated: 2025-06-26. Review status: criteria provided, single submitter. Criteria: Natera Variant Classification Schema (03/2026). Collection method: clinical testing. Allele origin: germline.
Comment: The c.1064G>A variant in SLC25A13 is a missense variant predicted to cause substitution of arginine to glutamine at amino acid 355. This variant is rare in the general population with a frequency below the threshold expected for the associated phenotype(s). This variant has been observed in one or more individuals affected with the associated recessive disease, as either homozygous or compound heterozygous with a second variant (PMID: 37305718, 37029238, 35798653, 34045052, 32720136, 24586645). Computational prediction algorithms indicate this variant is likely to affect gene or protein function. Given the available evidence, this variant is classified as Pathogenic.

Fulgent Genetics
Classification: Pathogenic for Citrullinemia, type II, adult-onset; Neonatal intrahepatic cholestasis due to citrin deficiency. Last evaluated: 2024-05-29. Review status: criteria provided, single submitter. Criteria: ACMG Guidelines, 2015. Collection method: clinical testing. Allele origin: germline.

Baylor Genetics
Classification: Pathogenic for Citrullinemia, type II, adult-onset. Last evaluated: 2024-03-16. Review status: criteria provided, single submitter. Criteria: ACMG Guidelines, 2015. Collection method: clinical testing. Allele origin: unknown.

Labcorp Genetics (formerly Invitae), Labcorp
Classification: Pathogenic for Citrin deficiency. Last evaluated: 2024-01-02. Review status: criteria provided, single submitter. Criteria: Invitae Variant Classification Sherloc (09022015). Collection method: clinical testing. Allele origin: germline.
Comment: This sequence change replaces arginine, which is basic and polar, with glutamine, which is neutral and polar, at codon 355 of the SLC25A13 protein (p.Arg355Gln). This variant is present in population databases (rs398122839, gnomAD 0.04%). This missense change has been observed in individual(s) with Citrin deficiency (PMID: 24586645, 35798653). In at least one individual the data is consistent with being in trans (on the opposite chromosome) from a pathogenic variant. ClinVar contains an entry for this variant (Variation ID: 92110). Advanced modeling of protein sequence and biophysical properties (such as structural, functional, and spatial information, amino acid conservation, physicochemical variation, residue mobility, and thermodynamic stability) performed at Invitae indicates that this missense variant is expected to disrupt SLC25A13 protein function with a positive predictive value of 80%. Experimental studies have shown that this missense change affects SLC25A13 function (PMID: 24586645). This variant disrupts the p.Arg355 amino acid residue in SLC25A13. Other variant(s) that disrupt this residue have been determined to be pathogenic (PMID: 24069319, 27405544). This suggests that this residue is clinically significant, and that variants that disrupt this residue are likely to be disease-causing. For these reasons, this variant has been classified as Pathogenic.

Women's Health and Genetics/Laboratory Corporation of America, LabCorp
Classification: Pathogenic for Citrullinemia type II. Last evaluated: 2023-05-17. Review status: criteria provided, single submitter. Criteria: LabCorp Variant Classification Summary - May 2015. Collection method: clinical testing. Allele origin: germline.
Comment: Variant summary: SLC25A13 c.1064G>A (p.Arg355Gln) results in a conservative amino acid change in the encoded protein sequence. Four of five in-silico tools predict a damaging effect of the variant on protein function. The variant allele was found at a frequency of 2.4e-05 in 251346 control chromosomes (gnomAD). c.1064G>A has been reported in the literature as a compound heterozygous genotype in individuals affected with citrin deficiency, including at least one case where it was confirmed to be in trans with a pathogenic variant (e.g. Zhang_2014, Lin_2016, Wang_2020, Lau_2021, Chen_2022). These data indicate that the variant is likely to be associated with disease. Experimental evidence found that the variant results in a significant growth deficiency versus the WT protein in a yeast-based assay on media with acetate as the unique carbon source, indicating the variant has a damaging effect on protein function (Zhang_2014). The following publications have been ascertained in the context of this evaluation (PMID: 24586645, 27405544, 31450232, 35798653, 34045052). Two clinical diagnostic laboratories have submitted clinical-significance assessments for this variant to ClinVar after 2014 and classified the variant as likely pathogenic and VUS. Based on the evidence outlined above, the variant was classified as pathogenic.

Juno Genomics, Hangzhou Juno Genomics, Inc
Classification: Pathogenic for Citrullinemia, type II, adult-onset; Neonatal intrahepatic cholestasis due to citrin deficiency. Review status: criteria provided, single submitter. Criteria: ACMG Guidelines, 2015. Collection method: clinical testing. Allele origin: germline.
Comment: Absent from controls (or at extremely low frequency if recessive) in Genome Aggregation Database.;Well-established in vitro or in vivo functional studies supportive of a damaging effect on the gene or gene product.;For recessive disorders, detected in trans with a pathogenic variant.;Patient's phenotype or family history is highly specific for a disease with a single genetic etiology.

Central Laboratory, The First Affiliated Hospital, Jinan University
No classification provided. Condition: Neonatal intrahepatic cholestasis caused by citrin deficiency. Review status: no classification provided. Collection method: not provided. Allele origin: unknown. Not counted in ClinVar's aggregate classification.

Literature cited by the submitters: PubMed 37305718 (cited by Natera, Inc.); PubMed 37029238 (cited by Natera, Inc.); PubMed 35798653 (cited by 3 submitters); PubMed 34045052 (cited by Natera, Inc. and Women's Health and Genetics/Laboratory Corporation of America, LabCorp); PubMed 32720136 (cited by Natera, Inc.); PubMed 24586645 (cited by 3 submitters); PubMed 24069319 (cited by Labcorp Genetics (formerly Invitae), Labcorp); PubMed 27405544 (cited by Labcorp Genetics (formerly Invitae), Labcorp and Women's Health and Genetics/Laboratory Corporation of America, LabCorp); PubMed 31450232 (cited by Women's Health and Genetics/Laboratory Corporation of America, LabCorp).